The following is an entry in ClinVar:

ClinVar aggregate classification (germline): Uncertain significance (1 of 4 stars; one submission).

Conditions:
Inborn genetic diseases. Identifiers: MedGen C0950123, MeSH D030342.

Submission:

Ambry Genetics
Classification: Uncertain significance for Inborn genetic diseases. Last evaluated: 2025-04-28. Review status: criteria provided, single submitter. Criteria: Ambry Variant Classification Scheme 2023. Collection method: clinical testing. Allele origin: germline.
Comment: The p.K1106E variant (also known as c.3316A>G), located in coding exon 31 of the RTEL1 gene, results from an A to G substitution at nucleotide position 3316. The lysine at codon 1106 is replaced by glutamic acid, an amino acid with similar properties. This amino acid position is conserved. In addition, the in silico prediction for this alteration is inconclusive. Based on the available evidence, the clinical significance of this variant remains unclear.

NM_001283009.2(RTEL1):c.3316A>G (p.Lys1106Glu)

Genes: RTEL1 (regulator of telomere elongation helicase 1; plus strand), RTEL1-TNFRSF6B (RTEL1-TNFRSF6B readthrough (NMD candidate); plus strand). Cytogenetic location: 20q13.33.
Variant type: single nucleotide variant.
Coding change: c.3316A>G on transcript NM_001283009.2 (MANE Select); coding-DNA position 3316, A replaced by G.
Protein change: p.Lys1106Glu; replaces lysine 1106 with glutamic acid.
Molecular consequence: missense variant. On other transcripts: non-coding transcript variant (1).
Genome position (GRCh38, 1-based): chr20:63,694,947, A>G. VCF-style: chr20-63694947-A-G. GRCh37 (hg19) VCF-style: chr20-62326300-A-G.
Other names: c.2647A>G, p.Lys883Glu (NM_001283010.1); c.3316A>G, p.Lys1106Glu (NM_016434.4); c.3388A>G, p.Lys1130Glu (NM_032957.5); short protein forms K1130E, K1106E, K883E.
Identifiers: ClinVar variation 3948356 (VCV003948356.1).
Genomic context (GRCh38, chr20:63,694,947, plus strand): 5'-TATAAGCAAGACGACGACCTCGACAAGGTGCTGGCTGTGTTGGCCGCCCTGACCACTGCA[A>G]AGCCAGAGGACTTCCCCCTGCTGCACAGCAAGTGGCCCTGGCGTGGGGAACAGCCGGTGG-3'
Protein context (NP_001269938.1, residues 1096-1116): LAVLAALTTA[Lys1106Glu]PEDFPLLHRF